The following is an entry in ClinVar:

NM_000860.6(HPGD):c.*1514A>G

Gene: HPGD (15-hydroxyprostaglandin dehydrogenase; minus strand). Cytogenetic location: 4q34.1.
Variant type: single nucleotide variant.
Coding change: c.*1514A>G on transcript NM_000860.6 (MANE Select); 1514 bases downstream of the stop codon, A replaced by G.
Molecular consequence: 3 prime UTR variant.
Genome position (GRCh38, 1-based): chr4:174,490,442, T>C on the plus strand (A>G on the coding strand, the complement: HPGD is on the minus strand). VCF-style: chr4-174490442-T-C. GRCh37 (hg19) VCF-style: chr4-175411593-T-C.
Other names: c.*1614A>G (NM_001145816.3); c.*1514A>G (NM_001256301.1, NM_001256306.2, NM_001256307.2); c.*1642A>G (NM_001256305.2).
Identifiers: ClinVar variation 348174 (VCV000348174.5), dbSNP rs45449496, ClinGen allele CA10620465.

ClinVar aggregate classification (germline): Likely benign. Review status: criteria provided, single submitter (1 of 4 stars). 2 submissions from 1 submitter: Likely benign (2). Last evaluated 2018-01-12.

Conditions:
Isolated congenital digital clubbing. Also called: ACROPACHY, HEREDITARY; CLUBBING OF DIGITS. Identifiers: Orphanet 217059, MedGen C0345408, MONDO:0007343, OMIM 119900.
Hypertrophic osteoarthropathy, primary, autosomal recessive, 1 (PHOAR1). Also called: PHO, AUTOSOMAL RECESSIVE. Identifiers: Orphanet 1525, Orphanet 2796, MedGen C4551679, MONDO:0024546, OMIM 259100.

Allele frequency attached by ClinVar (database versions not stated): 1000 Genomes Project 30x 0.00312; 1000 Genomes Project 0.00339; gnomAD 0.00343 and 0.00369; TOPMed 0.00373.

Submissions (2):

Illumina Laboratory Services, Illumina
Classification: Likely benign for Isolated congenital digital clubbing. Last evaluated: 2018-01-12. Review status: criteria provided, single submitter. Criteria: ICSL Variant Classification Criteria 13 December 2019. Collection method: clinical testing. Allele origin: germline.
Comment: This variant was observed in the ICSL laboratory as part of a predisposition screen in an ostensibly healthy population. It had not been previously curated by ICSL or reported in the Human Gene Mutation Database (HGMD: prior to June 1st, 2018), and was therefore a candidate for classification through an automated scoring system. Utilizing variant allele frequency, disease prevalence and penetrance estimates, and inheritance mode, an automated score was calculated to assess if this variant is too frequent to cause the disease. Based on the score and internal cut-off values, a variant classified as likely benign is not then subjected to further curation. The score for this variant resulted in a classification of likely benign for this disease.

Illumina Laboratory Services, Illumina
Classification: Likely benign for Hypertrophic osteoarthropathy, primary, autosomal recessive, 1. Last evaluated: 2018-01-12. Review status: criteria provided, single submitter. Criteria: ICSL Variant Classification Criteria 13 December 2019. Collection method: clinical testing. Allele origin: germline.
Comment: the same text as in the submission from Illumina Laboratory Services, Illumina above.